The following is an entry in ClinVar:

NM_000760.4(CSF3R):c.1931G>A (p.Gly644Glu)

Gene: CSF3R (colony stimulating factor 3 receptor; minus strand). Cytogenetic location: 1p34.3.
Variant type: single nucleotide variant.
Coding change: c.1931G>A on transcript NM_000760.4 (MANE Select); coding-DNA position 1931, G replaced by A.
Protein change: p.Gly644Glu; replaces glycine 644 with glutamic acid.
Molecular consequence: missense variant.
Genome position (GRCh38, 1-based): chr1:36,467,585, C>T on the plus strand (G>A on the coding strand, the complement: CSF3R is on the minus strand). VCF-style: chr1-36467585-C-T. GRCh37 (hg19) VCF-style: chr1-36933186-C-T.
Other names: c.1931G>A, p.Gly644Glu (NM_156039.3, NM_172313.3); short protein forms G644E.
Identifiers: ClinVar variation 1809641 (VCV001809641.5), dbSNP rs1650407939, ClinGen allele CA339417084.

ClinVar aggregate classification (germline): Uncertain significance. Review status: criteria provided, multiple submitters, no conflicts (2 of 4 stars). 3 submissions from 3 submitters: Uncertain significance (3). Last evaluated 2025-02-01.

Conditions:
Autosomal recessive severe congenital neutropenia due to CSF3R deficiency. Also called: Neutropenia, severe congenital, 7, autosomal recessive. Identifiers: Orphanet 420702, MedGen C4310764, MONDO:0014865, OMIM 617014.

gnomAD v4.1: 3 of 1,614,110 alleles (0.00019%); highest among the groups gnomAD compares: Non-Finnish European, 0.00017%; no homozygotes.

Submissions (3):

Labcorp Genetics (formerly Invitae), Labcorp
Classification: Uncertain significance for Autosomal recessive severe congenital neutropenia due to CSF3R deficiency. Last evaluated: 2025-02-01. Review status: criteria provided, single submitter. Criteria: Invitae Variant Classification Sherloc (09022015). Collection method: clinical testing. Allele origin: germline.
Comment: This sequence change replaces glycine, which is neutral and non-polar, with glutamic acid, which is acidic and polar, at codon 644 of the CSF3R protein (p.Gly644Glu). This variant is not present in population databases (gnomAD no frequency). This missense change has been observed in individual(s) with neutropenia (PMID: 36703223). ClinVar contains an entry for this variant (Variation ID: 1809641). Invitae Evidence Modeling of protein sequence and biophysical properties (such as structural, functional, and spatial information, amino acid conservation, physicochemical variation, residue mobility, and thermodynamic stability) indicates that this missense variant is not expected to disrupt CSF3R protein function with a negative predictive value of 80%. In summary, the available evidence is currently insufficient to determine the role of this variant in disease. Therefore, it has been classified as a Variant of Uncertain Significance.

Dubai Health Genomic Medicine Center, Dubai Health
Classification: Uncertain significance. Last evaluated: 2022-12-17. Review status: criteria provided, single submitter. Criteria: ACMG Guidelines, 2015. Collection method: clinical testing. Allele origin: germline. Affected: yes.

Blueprint Genetics
Classification: Uncertain significance. Last evaluated: 2020-05-06. Review status: criteria provided, single submitter. Criteria: ACMG Guidelines, 2015. Collection method: clinical testing. Allele origin: germline.

Literature cited by the submitters: PubMed 36703223 (cited by Labcorp Genetics (formerly Invitae), Labcorp).